The following is an entry in ClinVar:

ClinVar aggregate classification (germline): Uncertain significance. Review status: criteria provided, single submitter (1 of 4 stars). 2 submissions from 2 submitters: Uncertain significance (1). 1 of the submissions does not count toward it. Last evaluated 2022-07-06.

Conditions:
Retinitis pigmentosa (RP). Identifiers: Orphanet 791, MedGen C0035334, MeSH D012174, MONDO:0019200, OMIM 268000. Inheritance: Autosomal dominant, autosomal recessive and X linked inheritance.

Allele frequency attached by ClinVar (database versions not stated): gnomAD exomes 0.00001; TOPMed 0.00001; ExAC 0.00002.
gnomAD v4.1: 5 of 1,614,152 alleles (0.00031%); highest among the groups gnomAD compares: Admixed American, 0.0067%; no homozygotes.

Submissions (2):

Labcorp Genetics (formerly Invitae), Labcorp
Classification: Uncertain significance. Last evaluated: 2022-07-06. Review status: criteria provided, single submitter. Criteria: Invitae Variant Classification Sherloc (09022015). Collection method: clinical testing. Allele origin: germline.
Comment: This sequence change replaces methionine, which is neutral and non-polar, with arginine, which is basic and polar, at codon 4535 of the USH2A protein (p.Met4535Arg). This variant is present in population databases (rs750418422, gnomAD 0.009%). This missense change has been observed in individual(s) with clinical features of retinitis pigmentosa (PMID: 31456290; Invitae). ClinVar contains an entry for this variant (Variation ID: 812449). Algorithms developed to predict the effect of missense changes on protein structure and function (SIFT, PolyPhen-2, Align-GVGD) all suggest that this variant is likely to be disruptive. In summary, the available evidence is currently insufficient to determine the role of this variant in disease. Therefore, it has been classified as a Variant of Uncertain Significance.

Sharon lab, Hadassah-Hebrew University Medical Center
Classification: Likely pathogenic for Retinitis pigmentosa. Last evaluated: 2019-06-23. Review status: no assertion criteria provided. Collection method: research. Allele origin: inherited. Affected: yes. Not counted in ClinVar's aggregate classification.

Literature cited by the submitters: PubMed 31456290 (cited by Labcorp Genetics (formerly Invitae), Labcorp).

NM_206933.4(USH2A):c.13604T>G (p.Met4535Arg)

Gene: USH2A (usherin; minus strand). Cytogenetic location: 1q41.
Variant type: single nucleotide variant.
Coding change: c.13604T>G on transcript NM_206933.4 (MANE Select); coding-DNA position 13604, T replaced by G.
Protein change: p.Met4535Arg; replaces methionine 4535 with arginine.
Molecular consequence: missense variant.
Genome position (GRCh38, 1-based): chr1:215,674,307, A>C on the plus strand (T>G on the coding strand, the complement: USH2A is on the minus strand). VCF-style: chr1-215674307-A-C. GRCh37 (hg19) VCF-style: chr1-215847649-A-C.
Other names: short protein forms M4535R.
Identifiers: ClinVar variation 812449 (VCV000812449.6), dbSNP rs750418422, ClinGen allele CA1393256.